The following is an entry in ClinVar:

ClinVar aggregate classification (germline): Uncertain significance. Review status: criteria provided, multiple submitters, no conflicts (2 of 4 stars). 3 submissions from 3 submitters: Uncertain significance (3). Last evaluated 2024-12-17.

Conditions:
ELOVL4-related disorder. Also called: ELOVL4-related condition; ELOVL4-related disorders.
Inborn genetic diseases. Identifiers: MedGen C0950123, MeSH D030342.

Submissions (3):

PreventionGenetics, part of Exact Sciences
Classification: Uncertain significance for ELOVL4-related condition. Last evaluated: 2024-12-17. Review status: criteria provided, single submitter. Criteria: ACMG Guidelines, 2015. Collection method: clinical testing. Allele origin: germline.
Comment: The ELOVL4 c.904A>G variant is predicted to result in the amino acid substitution p.Asn302Asp. To our knowledge, this variant has not been reported in the literature or in a large population database (gnomAD), indicating this variant is rare. At this time, the clinical significance of this variant is uncertain due to the absence of conclusive functional and genetic evidence.

Ambry Genetics
Classification: Uncertain significance for Inborn genetic diseases. Last evaluated: 2023-12-19. Review status: criteria provided, single submitter. Criteria: Ambry Variant Classification Scheme 2023. Collection method: clinical testing. Allele origin: germline.

Labcorp Genetics (formerly Invitae), Labcorp
Classification: Uncertain significance. Last evaluated: 2022-05-07. Review status: criteria provided, single submitter. Criteria: Invitae Variant Classification Sherloc (09022015). Collection method: clinical testing. Allele origin: germline.
Comment: This variant is not present in population databases (gnomAD no frequency). In summary, the available evidence is currently insufficient to determine the role of this variant in disease. Therefore, it has been classified as a Variant of Uncertain Significance. Algorithms developed to predict the effect of missense changes on protein structure and function output the following: SIFT: "Tolerated"; PolyPhen-2: "Benign"; Align-GVGD: "Class C0". The aspartic acid amino acid residue is found in multiple mammalian species, which suggests that this missense change does not adversely affect protein function. This variant has not been reported in the literature in individuals affected with ELOVL4-related conditions. This sequence change replaces asparagine, which is neutral and polar, with aspartic acid, which is acidic and polar, at codon 302 of the ELOVL4 protein (p.Asn302Asp).

NM_022726.4(ELOVL4):c.904A>G (p.Asn302Asp)

Gene: ELOVL4 (ELOVL fatty acid elongase 4; minus strand). Cytogenetic location: 6q14.1.
Variant type: single nucleotide variant.
Coding change: c.904A>G on transcript NM_022726.4 (MANE Select); coding-DNA position 904, A replaced by G.
Protein change: p.Asn302Asp; replaces asparagine 302 with aspartic acid.
Molecular consequence: missense variant.
Genome position (GRCh38, 1-based): chr6:79,916,649, T>C on the plus strand (A>G on the coding strand, the complement: ELOVL4 is on the minus strand). VCF-style: chr6-79916649-T-C. GRCh37 (hg19) VCF-style: chr6-80626366-T-C.
Other names: c.904A>G (NM_022726.3); short protein forms N302D.
Identifiers: ClinVar variation 1948588 (VCV001948588.7), dbSNP rs1774165998, ClinGen allele CA364655591.